The following is an entry in ClinVar:

ClinVar aggregate classification (germline): Uncertain significance (1 of 4 stars; one submission).

Conditions:
Fanconi anemia (FA). Also called: Fanconi's anemia. Identifiers: Orphanet 84, MedGen C0015625, MeSH D005199, MONDO:0019391.

Submission:

Labcorp Genetics (formerly Invitae), Labcorp
Classification: Uncertain significance for Fanconi anemia. Last evaluated: 2024-01-15. Review status: criteria provided, single submitter. Criteria: Invitae Variant Classification Sherloc (09022015). Collection method: clinical testing. Allele origin: germline.
Comment: This sequence change replaces phenylalanine, which is neutral and non-polar, with tyrosine, which is neutral and polar, at codon 743 of the FANCB protein (p.Phe743Tyr). This variant is not present in population databases (gnomAD no frequency). This variant has not been reported in the literature in individuals affected with FANCB-related conditions. ClinVar contains an entry for this variant (Variation ID: 2147301). Advanced modeling of protein sequence and biophysical properties (such as structural, functional, and spatial information, amino acid conservation, physicochemical variation, residue mobility, and thermodynamic stability) has been performed at Invitae for this missense variant, however the output from this modeling did not meet the statistical confidence thresholds required to predict the impact of this variant on FANCB protein function. In summary, the available evidence is currently insufficient to determine the role of this variant in disease. Therefore, it has been classified as a Variant of Uncertain Significance.

NM_001018113.3(FANCB):c.2228T>A (p.Phe743Tyr)

Gene: FANCB (FA complementation group B; minus strand). Cytogenetic location: Xp22.2.
Variant type: single nucleotide variant.
Coding change: c.2228T>A on transcript NM_001018113.3 (MANE Select); coding-DNA position 2228, T replaced by A.
Protein change: p.Phe743Tyr; replaces phenylalanine 743 with tyrosine.
Molecular consequence: missense variant.
Genome position (GRCh38, 1-based): chrX:14,843,919, A>T on the plus strand (T>A on the coding strand, the complement: FANCB is on the minus strand). VCF-style: chrX-14843919-A-T. GRCh37 (hg19) VCF-style: chrX-14862041-A-T.
Other names: c.2228T>A, p.Phe743Tyr (NM_001324162.2, NM_001410764.1, NM_152633.4); short protein forms F743Y.
Identifiers: ClinVar variation 2147301 (VCV002147301.4), dbSNP rs747865842, ClinGen allele CA412437880.